The following is an entry in ClinVar:

NM_000051.4(ATM):c.6136C>G (p.Leu2046Val)

Genes: ATM (ATM serine/threonine kinase; plus strand), C11orf65 (chromosome 11 open reading frame 65; minus strand). Cytogenetic location: 11q22.3.
Variant type: single nucleotide variant.
Coding change: c.6136C>G on transcript NM_000051.4 (MANE Select); coding-DNA position 6136, C replaced by G.
Protein change: p.Leu2046Val; replaces leucine 2046 with valine.
Molecular consequence: missense variant. On other transcripts: intron variant (2).
Genome position (GRCh38, 1-based): chr11:108,316,051, C>G. VCF-style: chr11-108316051-C-G. GRCh37 (hg19) VCF-style: chr11-108186778-C-G.
Other names: c.6136C>G, p.Leu2046Val (NM_001351834.2); c.641-6980G>C (NM_001330368.2); c.*39-6980G>C (NM_001351110.2); short protein forms L2046V.
Identifiers: ClinVar variation 664216 (VCV000664216.9), dbSNP rs1456877872, ClinGen allele CA382550507.

ClinVar aggregate classification (germline): Uncertain significance. Review status: criteria provided, multiple submitters, no conflicts (2 of 4 stars). 3 submissions from 3 submitters: Uncertain significance (3). Last evaluated 2024-11-21.

Conditions:
Ataxia-telangiectasia syndrome (AT). Also called: Ataxia-telangiectasia, complementation group D; AT, COMPLEMENTATION GROUP C; ATAXIA-TELANGIECTASIA, COMPLEMENTATION GROUP A; ATAXIA-TELANGIECTASIA, FRESNO VARIANT; Ataxia-telangiectasia; LOUIS-BAR SYNDROME. Identifiers: Orphanet 100, MedGen C0004135, MONDO:0008840, OMIM 208900.
Hereditary cancer-predisposing syndrome. Also called: Tumor predisposition; Hereditary neoplastic syndrome; Neoplastic Syndromes, Hereditary; Hereditary Cancer Syndrome. Identifiers: Orphanet 140162, MedGen C0027672, MeSH D009386, MONDO:0015356.

Allele frequency attached by ClinVar (database versions not stated): gnomAD exomes below 0.00001.
gnomAD v4.1: 1 of 1,614,148 alleles (0.000062%); highest among the groups gnomAD compares: East Asian, 0.0022%; no homozygotes.

Submissions (3):

Ambry Genetics
Classification: Uncertain significance for Hereditary cancer-predisposing syndrome. Last evaluated: 2024-11-21. Review status: criteria provided, single submitter. Criteria: Ambry Variant Classification Scheme 2023. Collection method: clinical testing. Allele origin: germline.
Comment: The p.L2046V variant (also known as c.6136C>G), located in coding exon 41 of the ATM gene, results from a C to G substitution at nucleotide position 6136. The leucine at codon 2046 is replaced by valine, an amino acid with highly similar properties. This alteration has been reported with a carrier frequency of 0.00013 in 7636 unselected prostate cancer patients and 0 in 12366 male controls of Japanese ancestry (Momozawa Y et al. J Natl Cancer Inst, 2020 Apr;112:369-376). This amino acid position is highly conserved in available vertebrate species. In addition, this alteration is predicted to be tolerated by in silico analysis. Based on the available evidence, the clinical significance of this variant remains unclear.

GeneDx
Classification: Uncertain significance. Last evaluated: 2023-12-29. Review status: criteria provided, single submitter. Criteria: GeneDx Variant Classification Process June 2021. Collection method: clinical testing. Allele origin: germline. Affected: yes.
Comment: Not observed at significant frequency in large population cohorts (gnomAD); In silico analysis supports that this missense variant does not alter protein structure/function; Observed in cases and controls from a biliary tract cancer study (PMID: 36243179); This variant is associated with the following publications: (PMID: 29338689, 23532176, 36243179)

Labcorp Genetics (formerly Invitae), Labcorp
Classification: Uncertain significance for Ataxia-telangiectasia syndrome. Last evaluated: 2021-10-02. Review status: criteria provided, single submitter. Criteria: Invitae Variant Classification Sherloc (09022015). Collection method: clinical testing. Allele origin: germline.
Comment: In summary, the available evidence is currently insufficient to determine the role of this variant in disease. Therefore, it has been classified as a Variant of Uncertain Significance. Advanced modeling of protein sequence and biophysical properties (such as structural, functional, and spatial information, amino acid conservation, physicochemical variation, residue mobility, and thermodynamic stability) performed at Invitae indicates that this missense variant is not expected to disrupt ATM protein function. ClinVar contains an entry for this variant (Variation ID: 664216). This variant has not been reported in the literature in individuals affected with ATM-related conditions. This variant is not present in population databases (ExAC no frequency). This sequence change replaces leucine with valine at codon 2046 of the ATM protein (p.Leu2046Val). The leucine residue is highly conserved and there is a small physicochemical difference between leucine and valine.

Literature cited by the submitters: PubMed 31214711 (cited by Ambry Genetics).